The following is an entry in ClinVar:

ClinVar aggregate classification (germline): Uncertain significance (1 of 4 stars; one submission).

Conditions:
Dyskeratosis congenita. Identifiers: Orphanet 1775, MedGen C0265965, MONDO:0015780.

Submission:

Labcorp Genetics (formerly Invitae), Labcorp
Classification: Uncertain significance for Dyskeratosis congenita. Last evaluated: 2025-10-08. Review status: criteria provided, single submitter. Criteria: Invitae Variant Classification Sherloc (09022015). Collection method: clinical testing. Allele origin: germline.
Comment: This sequence change replaces alanine, which is neutral and non-polar, with glycine, which is neutral and non-polar, at codon 226 of the TINF2 protein (p.Ala226Gly). This variant is not present in population databases (gnomAD no frequency). This variant has not been reported in the literature in individuals affected with TINF2-related conditions. An algorithm developed to predict the effect of missense changes on protein structure and function (PolyPhen-2) suggests that this variant is likely to be disruptive. In summary, the available evidence is currently insufficient to determine the role of this variant in disease. Therefore, it has been classified as a Variant of Uncertain Significance.

NM_001099274.3(TINF2):c.677C>G (p.Ala226Gly)

Gene: TINF2 (TERF1 interacting nuclear factor 2; minus strand). Cytogenetic location: 14q12.
Variant type: single nucleotide variant.
Coding change: c.677C>G on transcript NM_001099274.3 (MANE Select); coding-DNA position 677, C replaced by G.
Protein change: p.Ala226Gly; replaces alanine 226 with glycine.
Molecular consequence: missense variant.
Genome position (GRCh38, 1-based): chr14:24,240,803, G>C on the plus strand (C>G on the coding strand, the complement: TINF2 is on the minus strand). VCF-style: chr14-24240803-G-C. GRCh37 (hg19) VCF-style: chr14-24710009-G-C.
Other names: c.572C>G, p.Ala191Gly (NM_001363668.2); c.677C>G, p.Ala226Gly (NM_012461.3); short protein forms A226G, A191G.
Identifiers: ClinVar variation 4711481 (VCV004711481.1).